The following is an entry in ClinVar:

NM_019112.4(ABCA7):c.6419G>C (p.Ser2140Thr)

Gene: ABCA7 (ATP binding cassette subfamily A member 7; plus strand). Cytogenetic location: 19p13.3.
Variant type: single nucleotide variant.
Coding change: c.6419G>C on transcript NM_019112.4 (MANE Select); coding-DNA position 6419, G replaced by C.
Protein change: p.Ser2140Thr; replaces serine 2140 with threonine.
Molecular consequence: missense variant.
Genome position (GRCh38, 1-based): chr19:1,065,403, G>C. VCF-style: chr19-1065403-G-C. GRCh37 (hg19) VCF-style: chr19-1065402-G-C.
Other names: short protein forms S2140T.
Identifiers: ClinVar variation 2648898 (VCV002648898.24), dbSNP rs956276297, ClinGen allele CA402992609.

ClinVar aggregate classification (germline): Uncertain significance (1 of 4 stars; one submission).

Submission:

CeGaT Center for Human Genetics Tuebingen
Classification: Uncertain significance. Last evaluated: 2022-11-01. Review status: criteria provided, single submitter. Criteria: CeGaT Center For Human Genetics Tuebingen Variant Classification Criteria Version 2. Collection method: clinical testing. Allele origin: germline. Affected: yes. Observed: 1 variant allele.
Comment: ABCA7: PM2, BP4